The following is an entry in ClinVar:

NM_001042750.2(STAG2):c.461A>G (p.Glu154Gly)

Gene: STAG2 (STAG2 cohesin complex component; plus strand). Cytogenetic location: Xq25.
Variant type: single nucleotide variant.
Coding change: c.461A>G on transcript NM_001042750.2 (MANE Select); coding-DNA position 461, A replaced by G.
Protein change: p.Glu154Gly; replaces glutamic acid 154 with glycine.
Molecular consequence: missense variant.
Genome position (GRCh38, 1-based): chrX:124,042,644, A>G. VCF-style: chrX-124042644-A-G. GRCh37 (hg19) VCF-style: chrX-123176494-A-G.
Other names: c.461A>G, p.Glu154Gly (NM_001042749.2, NM_001042751.2, NM_001282418.2 and 13 more transcripts); short protein forms E154G.
Identifiers: ClinVar variation 1321053 (VCV001321053.2), dbSNP rs2148158754, ClinGen allele CA414274216.

ClinVar aggregate classification (germline): Uncertain significance (1 of 4 stars; one submission).

Submission:

GeneDx
Classification: Uncertain significance. Last evaluated: 2019-07-08. Review status: criteria provided, single submitter. Criteria: GeneDx Variant Classification Process June 2021. Collection method: clinical testing. Allele origin: germline. Affected: yes.
Comment: Not observed in large population cohorts (Lek et al., 2016); In silico analysis, which includes protein predictors and evolutionary conservation, supports a deleterious effect; Has not been previously published as pathogenic or benign to our knowledge; In-silico analysis, which includes splice predictors and evolutionary conservation, is inconclusive as to whether the variant alters gene splicing. In the absence of RNA/functional studies, the actual effect of this sequence change is unknown.